The following is an entry in ClinVar:

NM_004991.4(MECOM):c.2097T>A (p.Phe699Leu)

Gene: MECOM (MDS1 and EVI1 complex locus; minus strand). Cytogenetic location: 3q26.2.
Variant type: single nucleotide variant.
Coding change: c.2097T>A on transcript NM_004991.4 (MANE Select); coding-DNA position 2097, T replaced by A.
Protein change: p.Phe699Leu; replaces phenylalanine 699 with leucine.
Molecular consequence: missense variant. On other transcripts: intron variant (2).
Genome position (GRCh38, 1-based): chr3:169,115,775, A>T on the plus strand (T>A on the coding strand, the complement: MECOM is on the minus strand). VCF-style: chr3-169115775-A-T. GRCh37 (hg19) VCF-style: chr3-168833563-A-T.
Other names: c.1728T>A, p.Phe576Leu (NM_001105077.4); c.1533T>A, p.Phe511Leu (NM_001105078.4, NM_001164000.2, NM_001205194.2 and 4 more transcripts); c.1536T>A, p.Phe512Leu (NM_001163999.2, NM_001366467.2, NM_001366468.2 and 1 more transcripts); c.2097T>A, p.Phe699Leu (NM_001366466.2); c.1133-8T>A (NM_001366473.2); c.569-8T>A (NM_001366474.2); short protein forms F511L, F699L, F576L, F512L.
Identifiers: ClinVar variation 4053199 (VCV004053199.1).

ClinVar aggregate classification (germline): Uncertain significance (1 of 4 stars; one submission).

Conditions:
Inborn genetic diseases. Identifiers: MedGen C0950123, MeSH D030342.

Submission:

Ambry Genetics
Classification: Uncertain significance for Inborn genetic diseases. Last evaluated: 2025-04-18. Review status: criteria provided, single submitter. Criteria: Ambry Variant Classification Scheme 2023. Collection method: clinical testing. Allele origin: germline.
Comment: The p.F699L variant (also known as c.2097T>A), located in coding exon 8 of the MECOM gene, results from a T to A substitution at nucleotide position 2097. The phenylalanine at codon 699 is replaced by leucine, an amino acid with highly similar properties. This amino acid position is conserved. In addition, this alteration is predicted to be tolerated by in silico analysis. Based on the available evidence, the clinical significance of this variant remains unclear.